The following is an entry in ClinVar:

NM_020822.3(KCNT1):c.35G>T (p.Gly12Val)

Gene: KCNT1 (potassium sodium-activated channel subfamily T member 1; plus strand). Cytogenetic location: 9q34.3.
Variant type: single nucleotide variant.
Coding change: c.35G>T on transcript NM_020822.3 (MANE Select); coding-DNA position 35, G replaced by T.
Protein change: p.Gly12Val; replaces glycine 12 with valine.
Molecular consequence: missense variant.
Genome position (GRCh38, 1-based): chr9:135,702,293, G>T. VCF-style: chr9-135702293-G-T. GRCh37 (hg19) VCF-style: chr9-138594139-G-T.
Other names: c.35G>T, p.Gly12Val (NM_001272003.2); short protein forms G12V.
Identifiers: ClinVar variation 4783303 (VCV004783303.1).
Genomic context (GRCh38, chr9:135,702,293, plus strand): 5'-GGGTCGGGTCCGAGCTGCCAGGCCGCATGCCACTCCCTGACGGGGCGCGGACCCCGGGGG[G>T]CGTCTGCCGGGAGGCGCGCGGCGGGGGCTACACCAACCGGACCTTCGAGTTTGACGACGG-3'
Protein context (NP_065873.2, residues 2-22): PLPDGARTPG[Gly12Val]VCREARGGGY

ClinVar aggregate classification (germline): Uncertain significance (1 of 4 stars; one submission).

Conditions:
Autosomal dominant nocturnal frontal lobe epilepsy 5. Also called: CILIARY DYSKINESIA, PRIMARY, 28, WITHOUT SITUS INVERSUS; CILIARY DYSKINESIA, PRIMARY, 28, WITH SITUS INVERSUS; KCNT1-Related Epilepsy; Epilepsy, nocturnal frontal lobe, 5. Identifiers: Orphanet 98784, MedGen C3554306, MONDO:0014002, OMIM 615005.
Developmental and epileptic encephalopathy, 14 (DEE14). Also called: Early infantile epileptic encephalopathy 14. Identifiers: Orphanet 293181, MedGen C3554195, MONDO:0013989, OMIM 614959.

gnomAD v4.1: 5 of 1,609,372 alleles (0.00031%); highest among the groups gnomAD compares: African/African-American, 0.0054%; no homozygotes.

Submission:

Labcorp Genetics (formerly Invitae), Labcorp
Classification: Uncertain significance for Autosomal dominant nocturnal frontal lobe epilepsy 5; Developmental and epileptic encephalopathy, 14. Last evaluated: 2025-10-15. Review status: criteria provided, single submitter. Criteria: Invitae Variant Classification Sherloc (09022015). Collection method: clinical testing. Allele origin: germline.
Comment: This sequence change replaces glycine, which is neutral and non-polar, with valine, which is neutral and non-polar, at codon 12 of the KCNT1 protein (p.Gly12Val). This variant is not present in population databases (gnomAD no frequency). This variant has not been reported in the literature in individuals affected with KCNT1-related conditions. Invitae Evidence Modeling of protein sequence and biophysical properties (such as structural, functional, and spatial information, amino acid conservation, physicochemical variation, residue mobility, and thermodynamic stability) indicates that this missense variant is not expected to disrupt KCNT1 protein function with a negative predictive value of 95%. In summary, the available evidence is currently insufficient to determine the role of this variant in disease. Therefore, it has been classified as a Variant of Uncertain Significance.